The following is an entry in ClinVar:

NM_001035.3(RYR2):c.5875G>A (p.Ala1959Thr)

Gene: RYR2 (ryanodine receptor 2; plus strand). Cytogenetic location: 1q43.
Variant type: single nucleotide variant.
Coding change: c.5875G>A on transcript NM_001035.3 (MANE Select); coding-DNA position 5875, G replaced by A.
Protein change: p.Ala1959Thr; replaces alanine 1959 with threonine.
Molecular consequence: missense variant.
Genome position (GRCh38, 1-based): chr1:237,617,445, G>A. VCF-style: chr1-237617445-G-A. GRCh37 (hg19) VCF-style: chr1-237780745-G-A.
Other names: short protein forms A1959T.
Identifiers: ClinVar variation 2736402 (VCV002736402.4), dbSNP rs2546818052, ClinGen allele CA345407355.

ClinVar aggregate classification (germline): Uncertain significance. Review status: criteria provided, multiple submitters, no conflicts (2 of 4 stars). 2 submissions from 2 submitters: Uncertain significance (2). Last evaluated 2024-12-12.

Conditions:
Catecholaminergic polymorphic ventricular tachycardia 1. Also called: VENTRICULAR TACHYCARDIA, CATECHOLAMINERGIC POLYMORPHIC, 1, WITH OR WITHOUT ATRIAL DYSFUNCTION AND/OR DILATED CARDIOMYOPATHY; RYR2-Related Catecholaminergic Polymorphic Ventricular Tachycardia; VENTRICULAR TACHYCARDIA, STRESS-INDUCED POLYMORPHIC 1. Identifiers: Orphanet 3286, MedGen C1631597, MONDO:0011484, OMIM 604772.

Submissions (2):

ARUP Laboratories, Molecular Genetics and Genomics, ARUP Laboratories
Classification: Uncertain significance. Last evaluated: 2024-12-12. Review status: criteria provided, single submitter. Criteria: ARUP Molecular Germline Variant Investigation Process 2024. Collection method: clinical testing. Allele origin: germline.
Comment: The RYR2 c.5875G>A; p.Ala1959Thr variant, to our knowledge, is not reported in the medical literature but is reported in ClinVar (Variation ID: 2736402). This variant is absent from the Genome Aggregation Database (v2.1.1), indicating it is not a common polymorphism. Computational analyses are uncertain whether this variant is neutral or deleterious (REVEL: 0.517). Due to limited information, the clinical significance of this variant is uncertain at this time.

Labcorp Genetics (formerly Invitae), Labcorp
Classification: Uncertain significance for Catecholaminergic polymorphic ventricular tachycardia 1. Last evaluated: 2023-07-06. Review status: criteria provided, single submitter. Criteria: Invitae Variant Classification Sherloc (09022015). Collection method: clinical testing. Allele origin: germline.
Comment: In summary, the available evidence is currently insufficient to determine the role of this variant in disease. Therefore, it has been classified as a Variant of Uncertain Significance. Advanced modeling of protein sequence and biophysical properties (such as structural, functional, and spatial information, amino acid conservation, physicochemical variation, residue mobility, and thermodynamic stability) has been performed at Invitae for this missense variant, however the output from this modeling did not meet the statistical confidence thresholds required to predict the impact of this variant on RYR2 protein function. This variant has not been reported in the literature in individuals affected with RYR2-related conditions. This variant is not present in population databases (gnomAD no frequency). This sequence change replaces alanine, which is neutral and non-polar, with threonine, which is neutral and polar, at codon 1959 of the RYR2 protein (p.Ala1959Thr).